The following is an entry in ClinVar:

ClinVar aggregate classification (germline): Uncertain significance (1 of 4 stars; one submission).

Conditions:
Gingival disorder. Also called: Gingival disease. Identifiers: MedGen C0017563, MONDO:0002021.

Allele frequency attached by ClinVar (database versions not stated): gnomAD exomes below 0.00001.
gnomAD v4.1: 2 of 1,614,130 alleles (0.00012%); highest among the groups gnomAD compares: African/African-American, 0.0013%; no homozygotes.

Submission:

Labcorp Genetics (formerly Invitae), Labcorp
Classification: Uncertain significance for Gingival disorder. Last evaluated: 2025-10-06. Review status: criteria provided, single submitter. Criteria: Invitae Variant Classification Sherloc (09022015). Collection method: clinical testing. Allele origin: germline.
Comment: This sequence change replaces serine, which is neutral and polar, with proline, which is neutral and non-polar, at codon 181 of the FPR1 protein (p.Ser181Pro). This variant is not present in population databases (gnomAD no frequency). This variant has not been reported in the literature in individuals affected with FPR1-related conditions. ClinVar contains an entry for this variant (Variation ID: 2081908). An algorithm developed to predict the effect of missense changes on protein structure and function (PolyPhen-2) suggests that this variant is likely to be tolerated. In summary, the available evidence is currently insufficient to determine the role of this variant in disease. Therefore, it has been classified as a Variant of Uncertain Significance.

NM_002029.4(FPR1):c.541T>C (p.Ser181Pro)

Gene: FPR1 (formyl peptide receptor 1; minus strand). Cytogenetic location: 19q13.41.
Variant type: single nucleotide variant.
Coding change: c.541T>C on transcript NM_002029.4 (MANE Select); coding-DNA position 541, T replaced by C.
Protein change: p.Ser181Pro; replaces serine 181 with proline.
Molecular consequence: missense variant.
Genome position (GRCh38, 1-based): chr19:51,746,454, A>G on the plus strand (T>C on the coding strand, the complement: FPR1 is on the minus strand). VCF-style: chr19-51746454-A-G. GRCh37 (hg19) VCF-style: chr19-52249707-A-G.
Other names: c.541T>C, p.Ser181Pro (NM_001193306.2); short protein forms S181P.
Identifiers: ClinVar variation 2081908 (VCV002081908.4), dbSNP rs2083746036, ClinGen allele CA407118275.